The following is an entry in ClinVar:

NM_013444.4(UBQLN2):c.1043A>G (p.Asn348Ser)

Gene: UBQLN2 (ubiquilin 2; plus strand). Cytogenetic location: Xp11.21.
Variant type: single nucleotide variant.
Coding change: c.1043A>G on transcript NM_013444.4 (MANE Select); coding-DNA position 1043, A replaced by G.
Protein change: p.Asn348Ser; replaces asparagine 348 with serine.
Molecular consequence: missense variant.
Genome position (GRCh38, 1-based): chrX:56,564,916, A>G. VCF-style: chrX-56564916-A-G. GRCh37 (hg19) VCF-style: chrX-56591349-A-G.
Other names: short protein forms N348S.
Identifiers: ClinVar variation 2286700 (VCV002286700.3), dbSNP rs1470922571, ClinGen allele CA413379702.

ClinVar aggregate classification (germline): Conflicting classifications of pathogenicity. Review status: criteria provided, conflicting classifications (1 of 4 stars). 2 submissions from 2 submitters: Uncertain significance (1); Likely benign (1). Last evaluated 2025-08-03.

Conditions:
Amyotrophic lateral sclerosis type 15. Also called: AMYOTROPHIC LATERAL SCLEROSIS 15 WITH FRONTOTEMPORAL DEMENTIA. Identifiers: Orphanet 803, MedGen C3275459, MONDO:0010459, OMIM 300857.

Allele frequency attached by ClinVar (database versions not stated): gnomAD exomes below 0.00001; gnomAD 0.00003; TOPMed 0.00003.
gnomAD v4.1: 8 of 1,209,145 alleles (0.00066%); highest among the groups gnomAD compares: Non-Finnish European, 0.00089%; no homozygotes.

Submissions (2):

Labcorp Genetics (formerly Invitae), Labcorp
Classification: Uncertain significance for Amyotrophic lateral sclerosis type 15. Last evaluated: 2025-08-03. Review status: criteria provided, single submitter. Criteria: Invitae Variant Classification Sherloc (09022015). Collection method: clinical testing. Allele origin: germline.
Comment: This sequence change replaces asparagine, which is neutral and polar, with serine, which is neutral and polar, at codon 348 of the UBQLN2 protein (p.Asn348Ser). This variant is present in population databases (no rsID available, gnomAD 0.01%), including at least one homozygous and/or hemizygous individual. This variant has not been reported in the literature in individuals affected with UBQLN2-related conditions. ClinVar contains an entry for this variant (Variation ID: 2286700). Invitae Evidence Modeling of protein sequence and biophysical properties (such as structural, functional, and spatial information, amino acid conservation, physicochemical variation, residue mobility, and thermodynamic stability) indicates that this missense variant is not expected to disrupt UBQLN2 protein function with a negative predictive value of 80%. In summary, the available evidence is currently insufficient to determine the role of this variant in disease. Therefore, it has been classified as a Variant of Uncertain Significance.

Ambry Genetics
Classification: Likely benign. Last evaluated: 2022-04-28. Review status: criteria provided, single submitter. Criteria: Ambry Variant Classification Scheme 2023. Collection method: clinical testing. Allele origin: germline.